The following is an entry in ClinVar:

NM_001267550.2(TTN):c.73940G>A (p.Arg24647Gln)

Genes: TTN (titin; minus strand), TTN-AS1 (TTN antisense RNA 1; plus strand). Cytogenetic location: 2q31.2.
Variant type: single nucleotide variant.
Coding change: c.73940G>A on transcript NM_001267550.2 (MANE Select); coding-DNA position 73940, G replaced by A.
Protein change: p.Arg24647Gln; replaces arginine 24647 with glutamine.
Molecular consequence: missense variant.
Genome position (GRCh38, 1-based): chr2:178,572,192, C>T on the plus strand (G>A on the coding strand, the complement: TTN is on the minus strand). VCF-style: chr2-178572192-C-T. GRCh37 (hg19) VCF-style: chr2-179436919-C-T.
Other names: c.69017G>A, p.Arg23006Gln (NM_001256850.1); c.46745G>A, p.Arg15582Gln (NM_003319.4); c.66236G>A, p.Arg22079Gln (NM_133378.4); c.47120G>A, p.Arg15707Gln (NM_133432.3); c.47321G>A, p.Arg15774Gln (NM_133437.4); short protein forms R24647Q, R22079Q, R15707Q, R15774Q, R15582Q, R23006Q.
Identifiers: ClinVar variation 196059 (VCV000196059.6), dbSNP rs767512581, ClinGen allele CA242816.

ClinVar aggregate classification (germline): Uncertain significance. Review status: criteria provided, multiple submitters, no conflicts (2 of 4 stars). 2 submissions from 2 submitters: Uncertain significance (2). Last evaluated 2026-05-31.

Conditions:
TTN-related disorder. Also called: TTN-related condition; TTN-related disease; TTN-related disorders.

Allele frequency attached by ClinVar (database versions not stated): gnomAD 0.00001; gnomAD exomes 0.00002; ExAC 0.00004; TOPMed 0.00004.
gnomAD v4.1: 41 of 1,613,332 alleles (0.0025%); highest among the groups gnomAD compares: African/African-American, 0.004%; no homozygotes.

Submissions (2):

PreventionGenetics, part of Exact Sciences
Classification: Uncertain significance for TTN-related condition. Last evaluated: 2026-05-31. Review status: criteria provided, single submitter. Criteria: ACMG Guidelines, 2015. Collection method: clinical testing. Allele origin: germline.
Comment: The TTN c.73940G>A variant is predicted to result in the amino acid substitution p.Arg24647Gln. This variant has been reported in an individual with dilated cardiomyopathy (Table S3, Mazzarotto et al. 2020. PubMed ID: 31983221); however, detailed clinical information was not provided. This variant is reported in 0.0045% of alleles in individuals of European (Non-Finnish) descent in gnomAD. At this time, the clinical significance of this variant is uncertain due to the absence of conclusive functional and genetic evidence.

Eurofins Ntd Llc (ga)
Classification: Uncertain significance. Last evaluated: 2014-10-10. Review status: criteria provided, single submitter. Criteria: EGL Classification Definitions 2015. Collection method: clinical testing. Allele origin: germline. Observed: 1 variant allele, 1 heterozygote.